The following is an entry in ClinVar:

NM_000038.6(APC):c.913A>T (p.Thr305Ser)

Gene: APC (APC regulator of Wnt signaling pathway; plus strand). Cytogenetic location: 5q22.2.
Variant type: single nucleotide variant.
Coding change: c.913A>T on transcript NM_000038.6 (MANE Select); coding-DNA position 913, A replaced by T.
Protein change: p.Thr305Ser; replaces threonine 305 with serine.
Molecular consequence: missense variant.
Genome position (GRCh38, 1-based): chr5:112,815,573, A>T. VCF-style: chr5-112815573-A-T. GRCh37 (hg19) VCF-style: chr5-112151270-A-T.
Other names: c.913A>T, p.Thr305Ser (NM_001127510.3, NM_001354895.2, NM_001354896.2 and 12 more transcripts); c.859A>T, p.Thr287Ser (NM_001127511.3); c.943A>T, p.Thr315Ser (NM_001354897.2, NM_001354902.2, NM_001407446.1); c.838A>T, p.Thr280Ser (NM_001354898.2, NM_001354904.2, NM_001407451.1); c.829A>T, p.Thr277Ser (NM_001354899.2, NM_001407452.1, NM_001407467.1 and 1 more transcripts); c.736A>T, p.Thr246Ser (NM_001354900.2, NM_001354901.2, NM_001354905.2 and 1 more transcripts); c.64A>T, p.Thr22Ser (NM_001354906.2, NM_001407470.1, NM_001407471.1 and 1 more transcripts); short protein forms T22S, T277S, T280S, T287S, T305S, T315S, T246S.
Identifiers: ClinVar variation 1765929 (VCV001765929.2), dbSNP rs1580512372, ClinGen allele CA16023310.

ClinVar aggregate classification (germline): Uncertain significance (1 of 4 stars; one submission).

Conditions:
Hereditary cancer-predisposing syndrome. Also called: Neoplastic Syndromes, Hereditary; Tumor predisposition; Hereditary Cancer Syndrome; Hereditary neoplastic syndrome. Identifiers: Orphanet 140162, MedGen C0027672, MeSH D009386, MONDO:0015356.

Submission:

Ambry Genetics
Classification: Uncertain significance for Hereditary cancer-predisposing syndrome. Last evaluated: 2022-01-27. Review status: criteria provided, single submitter. Criteria: Ambry Variant Classification Scheme 2023. Collection method: clinical testing. Allele origin: germline.
Comment: The p.T305S variant (also known as c.913A>T), located in coding exon 8 of the APC gene, results from an A to T substitution at nucleotide position 913. The threonine at codon 305 is replaced by serine, an amino acid with similar properties. This amino acid position is conserved. In addition, in silico predictors for this gene do not accurately predict pathogenicity. Since supporting evidence is limited at this time, the clinical significance of this alteration remains unclear.